The following is an entry in ClinVar:

ClinVar aggregate classification (germline): Uncertain significance (1 of 4 stars; one submission).

Submission:

GeneDx
Classification: Uncertain significance. Last evaluated: 2026-03-06. Review status: criteria provided, single submitter. Criteria: GeneDx Variant Classification Process June 2021. Collection method: clinical testing. Allele origin: germline.
Comment: Not observed at significant frequency in large population cohorts (gnomAD); In silico analysis supports that this missense variant has a deleterious effect on protein structure/function; Has not been previously published as pathogenic or benign to our knowledge

NM_001830.4(CLCN4):c.1001C>T (p.Pro334Leu)

Gene: CLCN4 (Cl-/H+ antiporter 4; plus strand). Cytogenetic location: Xp22.2.
Variant type: single nucleotide variant.
Coding change: c.1001C>T on transcript NM_001830.4 (MANE Select); coding-DNA position 1001, C replaced by T.
Protein change: p.Pro334Leu; replaces proline 334 with leucine.
Molecular consequence: missense variant.
Genome position (GRCh38, 1-based): chrX:10,208,202, C>T. VCF-style: chrX-10208202-C-T. GRCh37 (hg19) VCF-style: chrX-10176242-C-T.
Other names: c.719C>T, p.Pro240Leu (NM_001256944.2); short protein forms P334L, P240L.
Identifiers: ClinVar variation 5008748 (VCV005008748.1).
Genomic context (GRCh38, chrX:10,208,202, plus strand): 5'-GCCGTCTCGTTCTCTTTTATGTGGAATACCACACGCCCTGGTACATGGCTGAACTCTTCC[C>T]CTTCATCCTGCTTGGGGTCTTCGGGGGCTTGTGGGGAACCCTCTTCATCCGCTGCAACAT-3'
Protein context (NP_001821.2, residues 324-344): HTPWYMAELF[Pro334Leu]FILLGVFGGL